The following is an entry in ClinVar:

ClinVar aggregate classification (germline): Uncertain significance (1 of 4 stars; one submission).

Conditions:
Familial hemophagocytic lymphohistiocytosis 5. Also called: STXBP2-Related Familial Hemophagocytic Lymphohistiocytosis (STXBP2-fHLH). Identifiers: Orphanet 540, MedGen C2751293, MONDO:0013135, OMIM 613101.

Allele frequency attached by ClinVar (database versions not stated): gnomAD exomes below 0.00001 and 0.00001; TOPMed below 0.00001; ExAC 0.00001; ESP Exome Variant Server 0.00008.
gnomAD v4.1: 5 of 1,614,126 alleles (0.00031%); highest among the groups gnomAD compares: Middle Eastern, 0.033%; no homozygotes.

Submission:

Labcorp Genetics (formerly Invitae), Labcorp
Classification: Uncertain significance for Familial hemophagocytic lymphohistiocytosis 5. Last evaluated: 2021-09-01. Review status: criteria provided, single submitter. Criteria: Invitae Variant Classification Sherloc (09022015). Collection method: clinical testing. Allele origin: germline.
Comment: This sequence change replaces methionine with threonine at codon 233 of the STXBP2 protein (p.Met233Thr). The methionine residue is weakly conserved and there is a moderate physicochemical difference between methionine and threonine. This variant is present in population databases (rs373830051, ExAC 0.002%). This variant has not been reported in the literature in individuals affected with STXBP2-related conditions. Algorithms developed to predict the effect of missense changes on protein structure and function (SIFT, PolyPhen-2, Align-GVGD) all suggest that this variant is likely to be tolerated. In summary, the available evidence is currently insufficient to determine the role of this variant in disease. Therefore, it has been classified as a Variant of Uncertain Significance.

NM_006949.4(STXBP2):c.698T>C (p.Met233Thr)

Gene: STXBP2 (syntaxin binding protein 2; plus strand). Cytogenetic location: 19p13.2.
Variant type: single nucleotide variant.
Coding change: c.698T>C on transcript NM_006949.4 (MANE Select); coding-DNA position 698, T replaced by C.
Protein change: p.Met233Thr; replaces methionine 233 with threonine.
Molecular consequence: missense variant. On other transcripts: non-coding transcript variant (1).
Genome position (GRCh38, 1-based): chr19:7,642,237, T>C. VCF-style: chr19-7642237-T-C. GRCh37 (hg19) VCF-style: chr19-7707123-T-C.
Other names: c.689T>C, p.Met230Thr (NM_001127396.3); c.731T>C, p.Met244Thr (NM_001272034.2); short protein forms M244T, M230T, M233T.
Identifiers: ClinVar variation 842970 (VCV000842970.7), dbSNP rs373830051, ClinGen allele CA9143772.
Genomic context (GRCh38, chr19:7,642,237, plus strand): 5'-CATTCCTGCCCTAAACCCCACCCCAGGGCCCAGAGAAAACCCGCTCCCAGCTGCTGATAA[T>C]GGACCGGGCAGCTGACCCCGTGTCCCCACTACTGCATGAGCTCACGTTCCAGGCCATGGC-3'
Protein context (NP_008880.2, residues 223-243): PEKTRSQLLI[Met233Thr]DRAADPVSPL